The following is an entry in ClinVar:

NM_000418.4(IL4R):c.1425G>A (p.Pro475=)

Gene: IL4R (interleukin 4 receptor; plus strand). Cytogenetic location: 16p12.1.
Variant type: single nucleotide variant.
Coding change: c.1425G>A on transcript NM_000418.4 (MANE Select); coding-DNA position 1425, G replaced by A.
Protein change: p.Pro475=; no amino-acid change (proline 475 retained).
Molecular consequence: synonymous variant.
Genome position (GRCh38, 1-based): chr16:27,362,777, G>A. VCF-style: chr16-27362777-G-A. GRCh37 (hg19) VCF-style: chr16-27374098-G-A.
Other names: c.1425G>A, p.Pro475= (NM_001257406.2); c.1380G>A, p.Pro460= (NM_001257407.2); c.945G>A, p.Pro315= (NM_001257997.2).
Identifiers: ClinVar variation 3045086 (VCV003045086.2), dbSNP rs143884629, ClinGen allele CA7974562.

ClinVar aggregate classification (germline): Likely benign (0 of 4 stars; one submission).

Conditions:
IL4R-related disorder. Also called: IL4R-related condition.

Allele frequency attached by ClinVar (database versions not stated): ESP Exome Variant Server 0.00015; 1000 Genomes Project 30x 0.00016; 1000 Genomes Project 0.00020; TOPMed 0.00023; ExAC 0.00024; gnomAD 0.00029; gnomAD exomes 0.00040.
gnomAD v4.1: 623 of 1,614,090 alleles (0.039%); highest among the groups gnomAD compares: Middle Eastern, 0.049%; 2 homozygotes.

Submission:

PreventionGenetics, part of Exact Sciences
Classification: Likely benign for IL4R-related condition. Last evaluated: 2019-02-21. Review status: no assertion criteria provided. Collection method: clinical testing. Allele origin: germline.
Comment: This variant is classified as likely benign based on ACMG/AMP sequence variant interpretation guidelines (Richards et al. 2015 PMID: 25741868, with internal and published modifications).